The following is an entry in ClinVar:

NM_003242.6(TGFBR2):c.1656C>T (p.Cys552=)

Gene: TGFBR2 (transforming growth factor beta receptor 2; plus strand). Cytogenetic location: 3p24.1.
Variant type: single nucleotide variant.
Coding change: c.1656C>T on transcript NM_003242.6 (MANE Select); coding-DNA position 1656, C replaced by T.
Protein change: p.Cys552=; no amino-acid change (cysteine 552 retained).
Molecular consequence: synonymous variant.
Genome position (GRCh38, 1-based): chr3:30,691,551, C>T. VCF-style: chr3-30691551-C-T. GRCh37 (hg19) VCF-style: chr3-30733043-C-T.
Other names: c.1653C>T, p.Cys551= (NM_001407130.1); c.1551C>T, p.Cys517= (NM_001407132.1, NM_001407133.1, NM_001407134.1 and 2 more transcripts); c.1731C>T, p.Cys577= (NM_001024847.3); c.1839C>T, p.Cys613= (NM_001407126.1); c.1764C>T, p.Cys588= (NM_001407127.1); c.1683C>T, p.Cys561= (NM_001407128.1); c.1659C>T, p.Cys553= (NM_001407129.1); c.1371C>T, p.Cys457= (NM_001407137.1); and 2 more.
Identifiers: ClinVar variation 1093343 (VCV001093343.9), dbSNP rs756434427, ClinGen allele CA047234.

ClinVar aggregate classification (germline): Likely benign. Review status: criteria provided, multiple submitters, no conflicts (2 of 4 stars). 2 submissions from 2 submitters: Likely benign (2). Last evaluated 2025-08-14.

Conditions:
Loeys-Dietz syndrome 2 (LDS2). Also called: TGFBR2-Related Loeys-Dietz Syndrome; Marfan Syndrome type 2; Marfan like connective tissue disorder; MFS 2; AORTIC ANEURYSM, FAMILIAL THORACIC 3; MARFAN SYNDROME, TYPE II. Identifiers: Orphanet 284973, Orphanet 558, MedGen C2674574, MONDO:0012427, OMIM 610168.
Familial thoracic aortic aneurysm and aortic dissection (TAAD). Also called: Thoracic aortic aneurysms and dissections. Identifiers: Orphanet 91387, MedGen C4707243, MONDO:0019625.

Allele frequency attached by ClinVar (database versions not stated): gnomAD exomes below 0.00001 and 0.00001; ExAC 0.00001; gnomAD 0.00001.
gnomAD v4.1: 4 of 1,613,980 alleles (0.00025%); highest among the groups gnomAD compares: Admixed American, 0.0017%; no homozygotes.

Submissions (2):

Labcorp Genetics (formerly Invitae), Labcorp
Classification: Likely benign for Familial thoracic aortic aneurysm and aortic dissection. Last evaluated: 2025-08-14. Review status: criteria provided, single submitter. Criteria: Invitae Variant Classification Sherloc (09022015). Collection method: clinical testing. Allele origin: germline.

All of Us Research Program, National Institutes of Health
Classification: Likely benign for Loeys-Dietz syndrome 2. Last evaluated: 2023-08-15. Review status: criteria provided, single submitter. Criteria: ACMG Guidelines, 2015. Collection method: clinical testing. Allele origin: germline. Inheritance: Autosomal dominant inheritance. Observed: 2 variant alleles, 2 heterozygotes.
Comment: This study involves interpretation of variants in research participants for the purpose of population health screening. Participant phenotype was not available at the time of variant classification. Additional details can be found in publication PMID: 35346344, PMCID: PMC8962531